The following is an entry in ClinVar:

NM_023036.6(DNAI2):c.701_703delinsT (p.Gly234fs)

Gene: DNAI2 (dynein axonemal intermediate chain 2; plus strand). Cytogenetic location: 17q25.1.
Variant type: Indel.
Coding change: c.701_703delinsT on transcript NM_023036.6 (MANE Select); coding-DNA positions 701 to 703, GTG replaced by T.
Protein change: p.Gly234fs; shifts the reading frame from glycine 234.
Molecular consequence: frameshift variant. On other transcripts: non-coding transcript variant (1).
Genome position (GRCh38, 1-based): chr17:74,291,110-74,291,112, GTG replaced by T. VCF-style: chr17-74291110-GTG-T. GRCh37 (hg19) VCF-style: chr17-72287249-GTG-T.
Other names: c.701_703delinsT, p.Gly234fs (NM_001172810.3, NM_001353167.2); short protein forms G234fs.
Identifiers: ClinVar variation 5010564 (VCV005010564.1).
Genomic context (GRCh38, chr17:74,291,110, plus strand): 5'-AGCCATCGTCTCCACTCGTGACGTTGGAGTTCAACCCCAAAGATTCCCACGTACTCCTGG[GTG>T]GCTGCTACAATGGACAGATAGGTAAGGAGGGACCTAGGCTTTTTTATTTTTATTTTTATT-3'

ClinVar aggregate classification (germline): Pathogenic (1 of 4 stars; one submission).

Conditions:
Primary ciliary dyskinesia 9. Also called: CILIARY DYSKINESIA, PRIMARY, 9, WITH OR WITHOUT SITUS INVERSUS. Identifiers: Orphanet 244, MedGen C2676235, MONDO:0012906, OMIM 612444.

Submission:

Myriad Genetics, Inc.
Classification: Pathogenic for Primary ciliary dyskinesia 9. Last evaluated: 2024-05-14. Review status: criteria provided, single submitter. Criteria: Myriad Autosomal Dominant, Autosomal Recessive and X-Linked Classification Criteria (2023). Collection method: clinical testing. Allele origin: unknown.
Comment: NM_023036.4(DNAI2):c.701_703delGTGinsT(G234Vfs*25) is expected to be pathogenic in the context of primary ciliary dyskinesia, DNAI2-related. This variant is predicted to lead to an abnormal or absent protein product due to the creation of a premature termination codon in DNAI2, a gene where loss-of-function variants are known to be pathogenic. Please note: this variant was assessed in the context of healthy population screening.